The following is an entry in ClinVar:

ClinVar aggregate classification (germline): Uncertain significance (1 of 4 stars; one submission).

Conditions:
Methylcobalamin deficiency type cblE (HMAE). Also called: VITAMIN B12-RESPONSIVE HOMOCYSTINURIA, cblE TYPE; HOMOCYSTINURIA-MEGALOBLASTIC ANEMIA, cblE COMPLEMENTATION TYPE; HOMOCYSTINURIA-MEGALOBLASTIC ANEMIA, cblE TYPE. Identifiers: Orphanet 2169, Orphanet 622, MedGen C1856057, MONDO:0009354, OMIM 236270.

Allele frequency attached by ClinVar (database versions not stated): gnomAD 0.00001; ExAC 0.00002; gnomAD exomes 0.00002; TOPMed 0.00002.
gnomAD v4.1: 38 of 1,612,842 alleles (0.0024%); highest among the groups gnomAD compares: Non-Finnish European, 0.0031%; no homozygotes.

Submission:

Labcorp Genetics (formerly Invitae), Labcorp
Classification: Uncertain significance for Methylcobalamin deficiency type cblE. Last evaluated: 2021-08-31. Review status: criteria provided, single submitter. Criteria: Invitae Variant Classification Sherloc (09022015). Collection method: clinical testing. Allele origin: germline.
Comment: This sequence change replaces leucine with phenylalanine at codon 135 of the MTRR protein (p.Leu135Phe). The leucine residue is highly conserved and there is a small physicochemical difference between leucine and phenylalanine. This variant is present in population databases (rs754157293, ExAC 0.003%). This variant has not been reported in the literature in individuals affected with MTRR-related conditions. Algorithms developed to predict the effect of missense changes on protein structure and function are either unavailable or do not agree on the potential impact of this missense change (SIFT: "Deleterious"; PolyPhen-2: "Probably Damaging"; Align-GVGD: "Class C0"). In summary, the available evidence is currently insufficient to determine the role of this variant in disease. Therefore, it has been classified as a Variant of Uncertain Significance.

NM_002454.3(MTRR):c.405A>C (p.Leu135Phe)

Gene: MTRR (5-methyltetrahydrofolate-homocysteine methyltransferase reductase; plus strand). Cytogenetic location: 5p15.31.
Variant type: single nucleotide variant.
Coding change: c.405A>C on transcript NM_002454.3 (MANE Select); coding-DNA position 405, A replaced by C.
Protein change: p.Leu135Phe; replaces leucine 135 with phenylalanine.
Molecular consequence: missense variant. On other transcripts: non-coding transcript variant (13).
Genome position (GRCh38, 1-based): chr5:7,877,947, A>C. VCF-style: chr5-7877947-A-C. GRCh37 (hg19) VCF-style: chr5-7878060-A-C.
Other names: c.405A>C, p.Leu135Phe (NM_001364440.2, NM_001364441.2, NM_001364442.2 and 1 more transcripts); short protein forms L135F.
Identifiers: ClinVar variation 966720 (VCV000966720.6), dbSNP rs754157293, ClinGen allele CA3195603.
Genomic context (GRCh38, chr5:7,877,947, plus strand): 5'-TGTTCAGATGGAGAACTTAGGCATTTGTTTTGTTTTTCGTTTGTTTTTACTGTCCAGTTT[A>C]GAACTTGTGGTTGAGCCGTGGATTGCTGGACTCTGGCCAGCCCTCAGAAAGCATTTTAGG-3'
Protein context (NP_002445.2, residues 125-145): DTGHADDCVG[Leu135Phe]ELVVEPWIAG